The following is an entry in ClinVar:

NM_000506.5(F2):c.1015C>T (p.Arg339Ter)

Gene: F2 (coagulation factor II, thrombin; plus strand). Cytogenetic location: 11p11.2.
Variant type: single nucleotide variant.
Coding change: c.1015C>T on transcript NM_000506.5 (MANE Select); coding-DNA position 1015, C replaced by T.
Protein change: p.Arg339Ter; replaces arginine 339 with a stop codon.
Molecular consequence: nonsense.
Genome position (GRCh38, 1-based): chr11:46,726,722, C>T. VCF-style: chr11-46726722-C-T. GRCh37 (hg19) VCF-style: chr11-46748272-C-T.
Other names: short protein forms R339*.
Identifiers: ClinVar variation 2735585 (VCV002735585.3), dbSNP rs762292061, ClinGen allele CA5967153.

ClinVar aggregate classification (germline): Pathogenic (1 of 4 stars; one submission).

Conditions:
Congenital prothrombin deficiency. Also called: Inherited hypoprothrombinemia; Congenital factor II deficiency; Inherited prothrombin deficiency; Factor II deficiency; HYPOPROTHROMBINEMIA; Hereditary factor II deficiency disease. Identifiers: Orphanet 325, MedGen C0272317, MONDO:0013361, OMIM 613679.

Allele frequency attached by ClinVar (database versions not stated): TOPMed below 0.00001; ExAC 0.00001.
gnomAD v4.1: 5 of 1,614,228 alleles (0.00031%); highest among the groups gnomAD compares: East Asian, 0.0022%; no homozygotes.

Submission:

Labcorp Genetics (formerly Invitae), Labcorp
Classification: Pathogenic for Congenital prothrombin deficiency. Last evaluated: 2023-05-05. Review status: criteria provided, single submitter. Criteria: Invitae Variant Classification Sherloc (09022015). Collection method: clinical testing. Allele origin: germline.
Comment: For these reasons, this variant has been classified as Pathogenic. This variant is also known as R296stop. This premature translational stop signal has been observed in individual(s) with F2-related conditions (PMID: 23711336). This variant is present in population databases (rs762292061, gnomAD 0.006%). This sequence change creates a premature translational stop signal (p.Arg339*) in the F2 gene. It is expected to result in an absent or disrupted protein product. Loss-of-function variants in F2 are known to be pathogenic (PMID: 23852823).

Literature cited by the submitters: PubMed 23711336; PubMed 23852823.